The following is an entry in ClinVar:

ClinVar aggregate classification (germline): Uncertain significance. Review status: criteria provided, multiple submitters, no conflicts (2 of 4 stars). 4 submissions from 4 submitters: Uncertain significance (4). Last evaluated 2025-08-24.

Conditions:
Maturity-onset diabetes of the young type 11. Identifiers: Orphanet 552, MedGen C3150618, MONDO:0013242, OMIM 613375.

Allele frequency attached by ClinVar (database versions not stated): gnomAD exomes 0.00013; ExAC 0.00014; gnomAD 0.00014 and 0.00015; 1000 Genomes Project 30x 0.00016; TOPMed 0.00019; 1000 Genomes Project 0.00020; ESP Exome Variant Server 0.00024.
gnomAD v4.1: 366 of 1,608,048 alleles (0.023%); highest among the groups gnomAD compares: Non-Finnish European, 0.03%; no homozygotes.

Submissions (4):

Labcorp Genetics (formerly Invitae), Labcorp
Classification: Uncertain significance. Last evaluated: 2025-08-24. Review status: criteria provided, single submitter. Criteria: Invitae Variant Classification Sherloc (09022015). Collection method: clinical testing. Allele origin: germline.
Comment: This sequence change replaces glycine, which is neutral and non-polar, with serine, which is neutral and polar, at codon 451 of the BLK protein (p.Gly451Ser). This variant is present in population databases (rs199605698, gnomAD 0.03%). This missense change has been observed in individual(s) with clinical features of maturity onset diabetes of the young (PMID: 30191644). ClinVar contains an entry for this variant (Variation ID: 361497). An algorithm developed to predict the effect of missense changes on protein structure and function (PolyPhen-2) suggests that this variant is likely to be tolerated. In summary, the available evidence is currently insufficient to determine the role of this variant in disease. Therefore, it has been classified as a Variant of Uncertain Significance.

GeneDx
Classification: Uncertain significance. Last evaluated: 2022-08-22. Review status: criteria provided, single submitter. Criteria: GeneDx Variant Classification Process June 2021. Collection method: clinical testing. Allele origin: germline. Affected: yes.
Comment: Identified in a pediatric patient with antibody-negative type 1 diabetes mellitus in published literature, though clinical details and segregation information were not provided (Johnson et al., 2019); In silico analysis supports that this missense variant has a deleterious effect on protein structure/function; This variant is associated with the following publications: (PMID: 26740555, 28719003, 30019023, 30191644)

Fulgent Genetics
Classification: Uncertain significance for Maturity-onset diabetes of the young type 11. Last evaluated: 2021-12-22. Review status: criteria provided, single submitter. Criteria: ACMG Guidelines, 2015. Collection method: clinical testing. Allele origin: unknown.

Illumina Laboratory Services, Illumina
Classification: Uncertain significance for Maturity-onset diabetes of the young type 11. Last evaluated: 2018-01-13. Review status: criteria provided, single submitter. Criteria: ICSL Variant Classification Criteria 13 December 2019. Collection method: clinical testing. Allele origin: germline.

Literature cited by the submitters: PubMed 30191644 (cited by Labcorp Genetics (formerly Invitae), Labcorp).

NM_001715.3(BLK):c.1351G>A (p.Gly451Ser)

Gene: BLK (BLK proto-oncogene, Src family tyrosine kinase). Cytogenetic location: 8p23.1.
Variant type: single nucleotide variant.
Coding change: c.1351G>A on transcript NM_001715.3 (MANE Select); coding-DNA position 1351, G replaced by A.
Protein change: p.Gly451Ser; replaces glycine 451 with serine.
Molecular consequence: missense variant.
Genome position (GRCh38, 1-based): chr8:11,563,941, G>A. VCF-style: chr8-11563941-G-A. GRCh37 (hg19) VCF-style: chr8-11421450-G-A.
Other names: c.1138G>A, p.Gly380Ser (NM_001330465.2); short protein forms G451S, G380S.
Identifiers: ClinVar variation 361497 (VCV000361497.9), dbSNP rs199605698, ClinGen allele CA4630496.